The following is an entry in ClinVar:

ClinVar aggregate classification (germline): Uncertain significance (1 of 4 stars; one submission).

Conditions:
Charcot-Marie-Tooth disease type 2. Also called: Charcot-Marie-Tooth type 2. Identifiers: Orphanet 64746, MedGen C0270914, MONDO:0018993.

Allele frequency attached by ClinVar (database versions not stated): TOPMed below 0.00001.

Submission:

Labcorp Genetics (formerly Invitae), Labcorp
Classification: Uncertain significance for Charcot-Marie-Tooth disease type 2. Last evaluated: 2021-11-25. Review status: criteria provided, single submitter. Criteria: Invitae Variant Classification Sherloc (09022015). Collection method: clinical testing. Allele origin: germline.
Comment: This sequence change replaces alanine, which is neutral and non-polar, with valine, which is neutral and non-polar, at codon 600 of the LMNA protein (p.Ala600Val). This variant is not present in population databases (gnomAD no frequency). This variant has not been reported in the literature in individuals affected with LMNA-related conditions. Algorithms developed to predict the effect of missense changes on protein structure and function (SIFT, PolyPhen-2, Align-GVGD) all suggest that this variant is likely to be tolerated. In summary, the available evidence is currently insufficient to determine the role of this variant in disease. Therefore, it has been classified as a Variant of Uncertain Significance.

NM_170707.4(LMNA):c.1799C>T (p.Ala600Val)

Gene: LMNA (lamin A/C; plus strand). Cytogenetic location: 1q22.
Variant type: single nucleotide variant.
Coding change: c.1799C>T on transcript NM_170707.4 (MANE Select); coding-DNA position 1799, C replaced by T.
Protein change: p.Ala600Val; replaces alanine 600 with valine.
Molecular consequence: missense variant.
Genome position (GRCh38, 1-based): chr1:156,138,588, C>T. VCF-style: chr1-156138588-C-T. GRCh37 (hg19) VCF-style: chr1-156108379-C-T.
Other names: c.1463C>T, p.Ala488Val (NM_001257374.3); c.1799C>T, p.Ala600Val (NM_001282626.2); c.1709C>T, p.Ala570Val (NM_170708.4); short protein forms A570V, A600V, A488V.
Identifiers: ClinVar variation 1365019 (VCV001365019.6), dbSNP rs1290479309, ClinGen allele CA342826920.